The following is an entry in ClinVar:

NM_001077.4(UGT2B17):c.655C>T (p.Leu219Phe)

Gene: UGT2B17 (UDP glucuronosyltransferase family 2 member B17; minus strand). Cytogenetic location: 4q13.2.
Variant type: single nucleotide variant.
Coding change: c.655C>T on transcript NM_001077.4 (MANE Select); coding-DNA position 655, C replaced by T.
Protein change: p.Leu219Phe; replaces leucine 219 with phenylalanine.
Molecular consequence: missense variant.
Genome position (GRCh38, 1-based): chr4:68,567,830, G>A on the plus strand (C>T on the coding strand, the complement: UGT2B17 is on the minus strand). VCF-style: chr4-68567830-G-A. GRCh37 (hg19) VCF-style: chr4-69433548-G-A.
Other names: short protein forms L219F.
Identifiers: ClinVar variation 3239048 (VCV003239048.20), dbSNP rs143693642.
Genomic context (GRCh38, chr4:68,567,830, plus strand): 5'-CACTATAAAACTGGTCCCACTTCTTCAGATCATATGCTTGAAACCAAAAGTCAAAATAAA[G>A]CATATATATCATATTTTTTATCCTCTCCATGAAAATCATTTGATCACTTAATTCTGACAT-3'
Protein context (NP_001068.1, residues 209-229): MERIKNMIYM[Leu219Phe]YFDFWFQAYD

ClinVar aggregate classification (germline): Conflicting classifications of pathogenicity. Review status: criteria provided, conflicting classifications (1 of 4 stars). 2 submissions from 2 submitters: Uncertain significance (1); Likely benign (1). Last evaluated 2026-07-01.

Allele frequency attached by ClinVar (database versions not stated): gnomAD 0.00106; ESP Exome Variant Server 0.00108; ExAC 0.00115.
gnomAD v4.1: 1,165 of 1,371,410 alleles (0.085%); highest among the groups gnomAD compares: Non-Finnish European, 0.099%; 314 homozygotes.

Submissions (2):

CeGaT Center for Human Genetics Tuebingen
Classification: Likely benign. Last evaluated: 2026-07-01. Review status: criteria provided, single submitter. Criteria: CeGaT Center For Human Genetics Tuebingen Variant Classification Criteria Version 2. Collection method: clinical testing. Allele origin: germline. Affected: yes. Observed: 2 variant alleles.
Comment: UGT2B17: BP4, BS2

Ambry Genetics
Classification: Uncertain significance. Last evaluated: 2024-12-30. Review status: criteria provided, single submitter. Criteria: Ambry Variant Classification Scheme 2023. Collection method: clinical testing. Allele origin: germline.